The following is an entry in ClinVar:

NM_021803.4(IL21):c.130G>A (p.Asp44Asn)

Genes: IL21 (interleukin 21; minus strand), IL21-AS1 (IL21 antisense RNA 1; plus strand), LOC126807147 (CDK7 strongly-dependent group 2 enhancer GRCh37_chr4:123541308-123542507; plus strand). Cytogenetic location: 4q27.
Variant type: single nucleotide variant.
Coding change: c.130G>A on transcript NM_021803.4 (MANE Select); coding-DNA position 130, G replaced by A.
Protein change: p.Asp44Asn; replaces aspartic acid 44 with asparagine.
Molecular consequence: missense variant. On other transcripts: non-coding transcript variant (1).
Genome position (GRCh38, 1-based): chr4:122,620,882, C>T on the plus strand (G>A on the coding strand, the complement: IL21 is on the minus strand). VCF-style: chr4-122620882-C-T. GRCh37 (hg19) VCF-style: chr4-123542037-C-T.
Other names: c.130G>A, p.Asp44Asn (NM_001207006.3); short protein forms D44N.
Identifiers: ClinVar variation 1483462 (VCV001483462.6), dbSNP rs1799417814, ClinGen allele CA358221673.

ClinVar aggregate classification (germline): Uncertain significance (1 of 4 stars; one submission).

Allele frequency attached by ClinVar (database versions not stated): TOPMed below 0.00001.

Submission:

Labcorp Genetics (formerly Invitae), Labcorp
Classification: Uncertain significance. Last evaluated: 2021-10-21. Review status: criteria provided, single submitter. Criteria: Invitae Variant Classification Sherloc (09022015). Collection method: clinical testing. Allele origin: germline.
Comment: In summary, the available evidence is currently insufficient to determine the role of this variant in disease. Therefore, it has been classified as a Variant of Uncertain Significance. Algorithms developed to predict the effect of missense changes on protein structure and function (SIFT, PolyPhen-2, Align-GVGD) all suggest that this variant is likely to be tolerated. This variant has not been reported in the literature in individuals affected with IL21-related conditions. This variant is not present in population databases (ExAC no frequency). This sequence change replaces aspartic acid with asparagine at codon 44 of the IL21 protein (p.Asp44Asn). The aspartic acid residue is highly conserved and there is a small physicochemical difference between aspartic acid and asparagine.